The following is an entry in ClinVar:

NM_000081.4(LYST):c.8125C>G (p.Leu2709Val)

Gene: LYST (lysosomal trafficking regulator; minus strand). Cytogenetic location: 1q42.3.
Variant type: single nucleotide variant.
Coding change: c.8125C>G on transcript NM_000081.4 (MANE Select); coding-DNA position 8125, C replaced by G.
Protein change: p.Leu2709Val; replaces leucine 2709 with valine.
Molecular consequence: missense variant.
Genome position (GRCh38, 1-based): chr1:235,744,005, G>C on the plus strand (C>G on the coding strand, the complement: LYST is on the minus strand). VCF-style: chr1-235744005-G-C. GRCh37 (hg19) VCF-style: chr1-235907305-G-C.
Other names: c.8125C>G (NM_000081.2); c.8125C>G, p.Leu2709Val (NM_001301365.1); short protein forms L2709V.
Identifiers: ClinVar variation 1371752 (VCV001371752.6), dbSNP rs758413196, ClinGen allele CA1465946.

ClinVar aggregate classification (germline): Uncertain significance. Review status: criteria provided, multiple submitters, no conflicts (2 of 4 stars). 2 submissions from 2 submitters: Uncertain significance (2). Last evaluated 2024-11-09.

Conditions:
Inborn genetic diseases. Identifiers: MedGen C0950123, MeSH D030342.
Chédiak-Higashi syndrome (CHS). Also called: Chediak-Higashi Syndrome. Identifiers: Orphanet 167, MedGen C0007965, MONDO:0008963, OMIM 214500.

Allele frequency attached by ClinVar (database versions not stated): gnomAD 0.00001; ExAC 0.00002.
gnomAD v4.1: 17 of 1,495,170 alleles (0.0011%); highest among the groups gnomAD compares: African/African-American, 0.0041%; no homozygotes.

Submissions (2):

Ambry Genetics
Classification: Uncertain significance for Inborn genetic diseases. Last evaluated: 2024-11-09. Review status: criteria provided, single submitter. Criteria: Ambry Variant Classification Scheme 2023. Collection method: clinical testing. Allele origin: germline.

Labcorp Genetics (formerly Invitae), Labcorp
Classification: Uncertain significance for Chédiak-Higashi syndrome. Last evaluated: 2022-10-17. Review status: criteria provided, single submitter. Criteria: Invitae Variant Classification Sherloc (09022015). Collection method: clinical testing. Allele origin: germline.
Comment: This variant has not been reported in the literature in individuals affected with LYST-related conditions. In summary, the available evidence is currently insufficient to determine the role of this variant in disease. Therefore, it has been classified as a Variant of Uncertain Significance. Advanced modeling of protein sequence and biophysical properties (such as structural, functional, and spatial information, amino acid conservation, physicochemical variation, residue mobility, and thermodynamic stability) performed at Invitae indicates that this missense variant is not expected to disrupt LYST protein function. ClinVar contains an entry for this variant (Variation ID: 1371752). This variant is present in population databases (rs758413196, gnomAD 0.007%). This sequence change replaces leucine, which is neutral and non-polar, with valine, which is neutral and non-polar, at codon 2709 of the LYST protein (p.Leu2709Val).